The following is an entry in ClinVar:

NM_001267550.2(TTN):c.28560C>G (p.Ser9520=)

Gene: TTN (titin; minus strand). Cytogenetic location: 2q31.2.
Variant type: single nucleotide variant.
Coding change: c.28560C>G on transcript NM_001267550.2 (MANE Select); coding-DNA position 28560, C replaced by G.
Protein change: p.Ser9520=; no amino-acid change (serine 9520 retained).
Molecular consequence: synonymous variant. On other transcripts: intron variant (3).
Genome position (GRCh38, 1-based): chr2:178,709,759, G>C on the plus strand (C>G on the coding strand, the complement: TTN is on the minus strand). VCF-style: chr2-178709759-G-C. GRCh37 (hg19) VCF-style: chr2-179574486-G-C.
Other names: c.27609C>G, p.Ser9203= (NM_001256850.1); c.24828C>G, p.Ser8276= (NM_133378.4); c.13282+28323C>G (NM_003319.4); c.13858+28323C>G (NM_133437.4); c.13657+28323C>G (NM_133432.3).
Identifiers: ClinVar variation 1146520 (VCV001146520.10), dbSNP rs768247809, ClinGen allele CA1999569.
Genomic context (GRCh38, chr2:178,709,759, plus strand): 5'-ACAGTTAGAAGTTGGTTGTATCTCTATATTATTTTTGTACCAGGCAACAGTTATAGGTTG[G>C]GAACCAGCCACACGTCCCTCAAGTTTGAAAGAATTCCCTTCTGTTTCTTCTACTGTCTCT-3'
Protein context (NP_001254479.2, residues 9510-9530): SFKLEGRVAG[Ser9520=]QPITVAWYKN

ClinVar aggregate classification (germline): Likely benign. Review status: criteria provided, multiple submitters, no conflicts (2 of 4 stars). 2 submissions from 2 submitters: Likely benign (2). Last evaluated 2025-09-07.

Conditions:
TTN-related disorder. Also called: TTN-related condition; TTN-related disease; TTN-related disorders.
Autosomal recessive limb-girdle muscular dystrophy type 2J (LGMDR10). Also called: Limb-girdle muscular dystrophy, type 2J; MUSCULAR DYSTROPHY, LIMB-GIRDLE, AUTOSOMAL RECESSIVE 10. Identifiers: Orphanet 140922, MedGen C1837342, MONDO:0012127, OMIM 608807.
Dilated cardiomyopathy 1G (CMD1G). Identifiers: Orphanet 154, MedGen C1858763, MONDO:0011400, OMIM 604145.

Allele frequency attached by ClinVar (database versions not stated): gnomAD exomes 0.00001 and 0.00002; gnomAD 0.00002; TOPMed 0.00002; ExAC 0.00003.
gnomAD v4.1: 14 of 1,613,662 alleles (0.00087%); highest among the groups gnomAD compares: Admixed American, 0.0067%; no homozygotes.

Submissions (2):

Labcorp Genetics (formerly Invitae), Labcorp
Classification: Likely benign for Dilated cardiomyopathy 1G; Autosomal recessive limb-girdle muscular dystrophy type 2J. Last evaluated: 2025-09-07. Review status: criteria provided, single submitter. Criteria: Invitae Variant Classification Sherloc (09022015). Collection method: clinical testing. Allele origin: germline.

PreventionGenetics, part of Exact Sciences
Classification: Likely benign for TTN-related condition. Last evaluated: 2024-12-16. Review status: criteria provided, single submitter. Criteria: ACMG Guidelines, 2015. Collection method: clinical testing. Allele origin: germline.
Comment: This variant is classified as likely benign based on ACMG/AMP sequence variant interpretation guidelines (Richards et al. 2015 PMID: 25741868, with internal and published modifications).